The following is an entry in ClinVar:

NM_000082.4(ERCC8):c.969A>G (p.Ser323=)

Gene: ERCC8 (ERCC excision repair 8, CSA ubiquitin ligase complex subunit; minus strand). Cytogenetic location: 5q12.1.
Variant type: single nucleotide variant.
Coding change: c.969A>G on transcript NM_000082.4 (MANE Select); coding-DNA position 969, A replaced by G.
Protein change: p.Ser323=; no amino-acid change (serine 323 retained).
Molecular consequence: synonymous variant.
Genome position (GRCh38, 1-based): chr5:60,890,961, T>C on the plus strand (A>G on the coding strand, the complement: ERCC8 is on the minus strand). VCF-style: chr5-60890961-T-C. GRCh37 (hg19) VCF-style: chr5-60186788-T-C.
Other names: c.795A>G, p.Ser265= (NM_001007233.3); c.510A>G, p.Ser170= (NM_001290285.2).
Identifiers: ClinVar variation 4281381 (VCV004281381.7).

ClinVar aggregate classification (germline): Likely benign (1 of 4 stars; one submission).

gnomAD v4.1: 1 of 1,613,534 alleles (0.000062%); no homozygotes.

Submission:

CeGaT Center for Human Genetics Tuebingen
Classification: Likely benign. Last evaluated: 2025-09-01. Review status: criteria provided, single submitter. Criteria: CeGaT Center For Human Genetics Tuebingen Variant Classification Criteria Version 2. Collection method: clinical testing. Allele origin: germline. Affected: yes. Observed: 1 variant allele.
Comment: ERCC8: BP4, BP7